The following is an entry in ClinVar:

NM_033026.6(PCLO):c.2921C>G (p.Pro974Arg)

Gene: PCLO (piccolo presynaptic cytomatrix protein; minus strand). Cytogenetic location: 7q21.11.
Variant type: single nucleotide variant.
Coding change: c.2921C>G on transcript NM_033026.6 (MANE Select); coding-DNA position 2921, C replaced by G.
Protein change: p.Pro974Arg; replaces proline 974 with arginine.
Molecular consequence: missense variant.
Genome position (GRCh38, 1-based): chr7:83,134,629, G>C on the plus strand (C>G on the coding strand, the complement: PCLO is on the minus strand). VCF-style: chr7-83134629-G-C. GRCh37 (hg19) VCF-style: chr7-82763945-G-C.
Other names: c.2921C>G, p.Pro974Arg (NM_014510.3); short protein forms P974R.
Identifiers: ClinVar variation 2119946 (VCV002119946.4), dbSNP rs938071806, ClinGen allele CA161171903.

ClinVar aggregate classification (germline): Uncertain significance (1 of 4 stars; one submission).

Allele frequency attached by ClinVar (database versions not stated): gnomAD 0.00001; gnomAD exomes 0.00001; TOPMed 0.00001.
gnomAD v4.1: 23 of 1,613,802 alleles (0.0014%); highest among the groups gnomAD compares: Non-Finnish European, 0.0019%; no homozygotes.

Submission:

Labcorp Genetics (formerly Invitae), Labcorp
Classification: Uncertain significance. Last evaluated: 2022-05-16. Review status: criteria provided, single submitter. Criteria: Invitae Variant Classification Sherloc (09022015). Collection method: clinical testing. Allele origin: germline.
Comment: In summary, the available evidence is currently insufficient to determine the role of this variant in disease. Therefore, it has been classified as a Variant of Uncertain Significance. Algorithms developed to predict the effect of missense changes on protein structure and function are either unavailable or do not agree on the potential impact of this missense change (SIFT: "Deleterious"; PolyPhen-2: "Not Available"; Align-GVGD: "Class C0"). This variant has not been reported in the literature in individuals affected with PCLO-related conditions. This variant is present in population databases (no rsID available, gnomAD 0.0009%). This sequence change replaces proline, which is neutral and non-polar, with arginine, which is basic and polar, at codon 974 of the PCLO protein (p.Pro974Arg).